The following is an entry in ClinVar:

ClinVar aggregate classification (germline): Pathogenic (1 of 4 stars; one submission).

Conditions:
Coxopodopatellar syndrome. Also called: ISCHIOPATELLAR DYSPLASIA; SCOTT-TAOR SYNDROME; Small patella syndrome; ISCHIOCOXOPODOPATELLAR SYNDROME; PATELLA APLASIA, COXA VARA, AND TARSAL SYNOSTOSIS; Congenital coxa vara, patella aplasia and tarsal synostosis. Identifiers: Orphanet 1509, MedGen C1840061, MONDO:0007841, OMIM 147891.

Submission:

Stankiewicz Research Laboratory, Baylor College of Medicine
Classification: Pathogenic for Coxopodopatellar syndrome. Last evaluated: 2026-05-12. Review status: criteria provided, single submitter. Criteria: ACMG Guidelines, 2015. Collection method: research. Allele origin: unknown. Inheritance: Autosomal dominant inheritance. Affected: yes.
Comment: This variant is classified as pathogenic PVS1 (truncating) + PM2 (absent in gnomAD) + PP4 (phenotype highly specific)

Literature cited by the submitters: PubMed 31727138; PubMed 37422716; PubMed 33971972; PubMed 36367783; PubMed 32006592.

NM_001321120.2(TBX4):c.1021+1G>T

Gene: TBX4 (T-box transcription factor 4; plus strand). Cytogenetic location: 17q23.2.
Variant type: single nucleotide variant.
Coding change: c.1021+1G>T on transcript NM_001321120.2 (MANE Select); the canonical splice donor site of the intron after coding-DNA position 1021, G replaced by T.
Molecular consequence: splice donor variant.
Genome position (GRCh38, 1-based): chr17:61,480,320, G>T. VCF-style: chr17-61480320-G-T. GRCh37 (hg19) VCF-style: chr17-59557681-G-T.
Other names: c.1021+1G>T (NM_018488.3).
Identifiers: ClinVar variation 4850557 (VCV004850557.1).